The following is an entry in ClinVar:

ClinVar aggregate classification (germline): Uncertain significance. Review status: criteria provided, multiple submitters, no conflicts (2 of 4 stars). 2 submissions from 2 submitters: Uncertain significance (2). Last evaluated 2025-09-04.

Conditions:
Cardiovascular phenotype. Identifiers: MedGen CN230736.
Brugada syndrome. Also called: Sudden Unexplained Death Syndrome; Sudden Unexplained Nocturnal Death Syndrome (SUNDS); Sudden unexplained nocturnal death syndrome; Sudden unexpected nocturnal death syndrome. Identifiers: Orphanet 130, MedGen C1142166, MONDO:0015263.

Submissions (2):

Ambry Genetics
Classification: Uncertain significance for Cardiovascular phenotype. Last evaluated: 2025-09-04. Review status: criteria provided, single submitter. Criteria: Ambry Variant Classification Scheme 2023. Collection method: clinical testing. Allele origin: germline.
Comment: The p.P1322A variant (also known as c.3964C>G), located in coding exon 22 of the SCN10A gene, results from a C to G substitution at nucleotide position 3964. The proline at codon 1322 is replaced by alanine, an amino acid with highly similar properties. This amino acid position is conserved. In addition, this alteration is predicted to be tolerated by in silico analysis. Based on the available evidence, the clinical significance of this variant remains unclear.

Labcorp Genetics (formerly Invitae), Labcorp
Classification: Uncertain significance for Brugada syndrome. Last evaluated: 2022-05-08. Review status: criteria provided, single submitter. Criteria: Invitae Variant Classification Sherloc (09022015). Collection method: clinical testing. Allele origin: germline.
Comment: In summary, the available evidence is currently insufficient to determine the role of this variant in disease. Therefore, it has been classified as a Variant of Uncertain Significance. Advanced modeling of protein sequence and biophysical properties (such as structural, functional, and spatial information, amino acid conservation, physicochemical variation, residue mobility, and thermodynamic stability) performed at Invitae indicates that this missense variant is not expected to disrupt SCN10A protein function. This variant has not been reported in the literature in individuals affected with SCN10A-related conditions. This variant is not present in population databases (gnomAD no frequency). This sequence change replaces proline, which is neutral and non-polar, with alanine, which is neutral and non-polar, at codon 1322 of the SCN10A protein (p.Pro1322Ala).

NM_006514.4(SCN10A):c.3964C>G (p.Pro1322Ala)

Gene: SCN10A (sodium voltage-gated channel alpha subunit 10; minus strand). Cytogenetic location: 3p22.2.
Variant type: single nucleotide variant.
Coding change: c.3964C>G on transcript NM_006514.4 (MANE Select); coding-DNA position 3964, C replaced by G.
Protein change: p.Pro1322Ala; replaces proline 1322 with alanine.
Molecular consequence: missense variant.
Genome position (GRCh38, 1-based): chr3:38,712,286, G>C on the plus strand (C>G on the coding strand, the complement: SCN10A is on the minus strand). VCF-style: chr3-38712286-G-C. GRCh37 (hg19) VCF-style: chr3-38753777-G-C.
Other names: c.3961C>G, p.Pro1321Ala (NM_001293306.2); c.3670C>G, p.Pro1224Ala (NM_001293307.2); c.3964C>G (NM_006514.2); short protein forms P1224A, P1321A, P1322A.
Identifiers: ClinVar variation 2135352 (VCV002135352.5), dbSNP rs780172964, ClinGen allele CA352151048.